The following is an entry in ClinVar:

NM_144670.6(A2ML1):c.118T>G (p.Cys40Gly)

Genes: A2ML1 (alpha-2-macroglobulin like 1; plus strand), A2ML1-AS1 (A2ML1 antisense RNA 1; minus strand). Cytogenetic location: 12p13.31.
Variant type: single nucleotide variant.
Coding change: c.118T>G on transcript NM_144670.6 (MANE Select); coding-DNA position 118, T replaced by G.
Protein change: p.Cys40Gly; replaces cysteine 40 with glycine.
Molecular consequence: missense variant.
Genome position (GRCh38, 1-based): chr12:8,823,237, T>G. VCF-style: chr12-8823237-T-G. GRCh37 (hg19) VCF-style: chr12-8975833-T-G.
Other names: c.118T>G (NM_144670.3); short protein forms C40G.
Identifiers: ClinVar variation 962868 (VCV000962868.11), dbSNP rs933811492, ClinGen allele CA232652491.

ClinVar aggregate classification (germline): Uncertain significance. Review status: criteria provided, multiple submitters, no conflicts (2 of 4 stars). 2 submissions from 2 submitters: Uncertain significance (2). Last evaluated 2025-10-14.

Allele frequency attached by ClinVar (database versions not stated): gnomAD exomes 0.00001 and 0.00006; TOPMed 0.00016; gnomAD 0.00020 and 0.00021.
gnomAD v4.1: 46 of 1,614,046 alleles (0.0028%); highest among the groups gnomAD compares: Admixed American, 0.077%; no homozygotes.

Submissions (2):

Ambry Genetics
Classification: Uncertain significance. Last evaluated: 2025-10-14. Review status: criteria provided, single submitter. Criteria: Ambry Variant Classification Scheme 2023. Collection method: clinical testing. Allele origin: germline.

Labcorp Genetics (formerly Invitae), Labcorp
Classification: Uncertain significance. Last evaluated: 2025-04-30. Review status: criteria provided, single submitter. Criteria: Invitae Variant Classification Sherloc (09022015). Collection method: clinical testing. Allele origin: germline.
Comment: This sequence change replaces cysteine, which is neutral and slightly polar, with glycine, which is neutral and non-polar, at codon 40 of the A2ML1 protein (p.Cys40Gly). This variant is present in population databases (no rsID available, gnomAD 0.04%). This variant has not been reported in the literature in individuals affected with A2ML1-related conditions. ClinVar contains an entry for this variant (Variation ID: 962868). An algorithm developed to predict the effect of missense changes on protein structure and function (PolyPhen-2) suggests that this variant is likely to be disruptive. In summary, the available evidence is currently insufficient to determine the role of this variant in disease. Therefore, it has been classified as a Variant of Uncertain Significance.